The following is an entry in ClinVar:

NM_000158.4(GBE1):c.646dup (p.Tyr216fs)

Gene: GBE1 (1,4-alpha-glucan branching enzyme 1; minus strand). Cytogenetic location: 3p12.2.
Variant type: Duplication.
Coding change: c.646dup on transcript NM_000158.4 (MANE Select); coding-DNA position 646, one base duplicated (T; older notation c.646dupT).
Protein change: p.Tyr216fs; shifts the reading frame from tyrosine 216.
Molecular consequence: frameshift variant.
Genome position (GRCh38, 1-based): chr3:81,648,901, A duplicated on the plus strand (T on the coding strand, the reverse complement: GBE1 is on the minus strand); the first of 2 consecutive A bases (chr3:81,648,901-81,648,902); duplicating either gives the same sequence. VCF-style (leftmost placement, unchanged base first): chr3-81648900-T-TA. GRCh37 (hg19) VCF-style: chr3-81698051-T-TA.
Other names: short protein forms Y216fs.
Identifiers: ClinVar variation 2931854 (VCV002931854.4), dbSNP rs2471826221, ClinGen allele CA2740094511.
Genomic context (GRCh38, chr3:81,648,900, plus strand): 5'-CACAGTTATTACTTACCAAGGCCTTTGATTCTTGGTAGTACATTGCATGTAAAATGTTTA[T>TA]AAGAAGCTACTTTTCCTTCATGGGAAGAAATTCCCACATGAGATTCATAAATTCTTAGAC-3'

ClinVar aggregate classification (germline): Pathogenic. Review status: criteria provided, multiple submitters, no conflicts (2 of 4 stars). 2 submissions from 2 submitters: Pathogenic (2). Last evaluated 2024-05-14.

Conditions:
Glycogen storage disease IV, classic hepatic. Also called: GSD IV, CLASSIC HEPATIC. Identifiers: MedGen C1856301.
Glycogen storage disease, type IV (GSD4). Also called: AMYLOPECTINOSIS; ANDERSEN DISEASE; BRANCHER DEFICIENCY; CIRRHOSIS, FAMILIAL, WITH DEPOSITION OF ABNORMAL GLYCOGEN; GBE1 DEFICIENCY; GLYCOGEN BRANCHING ENZYME DEFICIENCY. Identifiers: Orphanet 367, MedGen C0017923, MONDO:0009292, OMIM 232500.

Submissions (2):

Myriad Genetics, Inc.
Classification: Pathogenic for Glycogen storage disease, type IV. Last evaluated: 2024-05-14. Review status: criteria provided, single submitter. Criteria: Myriad Autosomal Dominant, Autosomal Recessive and X-Linked Classification Criteria (2023). Collection method: clinical testing. Allele origin: unknown.
Comment: NM_000158.3(GBE1):c.646dupT(Y216Lfs*2) is expected to be pathogenic in the context of glycogen storage disease, GBE1-related. This variant is predicted to lead to an abnormal or absent protein product due to the creation of a premature termination codon in GBE1, a gene where loss-of-function variants are known to be pathogenic. Please note: this variant was assessed in the context of healthy population screening.

Labcorp Genetics (formerly Invitae), Labcorp
Classification: Pathogenic for Glycogen storage disease, type IV; Glycogen storage disease IV, classic hepatic. Last evaluated: 2023-03-04. Review status: criteria provided, single submitter. Criteria: Invitae Variant Classification Sherloc (09022015). Collection method: clinical testing. Allele origin: germline.
Comment: This sequence change creates a premature translational stop signal (p.Tyr216Leufs*2) in the GBE1 gene. It is expected to result in an absent or disrupted protein product. Loss-of-function variants in GBE1 are known to be pathogenic (PMID: 15452297, 20058079). For these reasons, this variant has been classified as Pathogenic. This variant has not been reported in the literature in individuals affected with GBE1-related conditions. This variant is not present in population databases (gnomAD no frequency).

Literature cited by the submitters: PubMed 15452297 (cited by Labcorp Genetics (formerly Invitae), Labcorp); PubMed 20058079 (cited by Labcorp Genetics (formerly Invitae), Labcorp).